The following is an entry in ClinVar:

ClinVar aggregate classification (germline): Benign/Likely benign. Review status: criteria provided, multiple submitters, no conflicts (2 of 4 stars). 3 submissions from 3 submitters: Benign (1); Likely benign (2). Last evaluated 2026-03-01.

Allele frequency attached by ClinVar (database versions not stated): TOPMed 0.00002; gnomAD 0.00007; gnomAD exomes 0.00010; ExAC 0.00020; 1000 Genomes Project 0.00040; 1000 Genomes Project 30x 0.00047.
gnomAD v4.1: 157 of 1,614,172 alleles (0.0097%); highest among the groups gnomAD compares: South Asian, 0.16%; 2 homozygotes.

Submissions (3):

CeGaT Center for Human Genetics Tuebingen
Classification: Likely benign. Last evaluated: 2026-03-01. Review status: criteria provided, single submitter. Criteria: CeGaT Center For Human Genetics Tuebingen Variant Classification Criteria Version 2. Collection method: clinical testing. Allele origin: germline. Affected: yes. Observed: 1 variant allele.
Comment: SRCAP: BP4, BP7, BS1

Labcorp Genetics (formerly Invitae), Labcorp
Classification: Benign. Last evaluated: 2025-06-07. Review status: criteria provided, single submitter. Criteria: Invitae Variant Classification Sherloc (09022015). Collection method: clinical testing. Allele origin: germline.

Blueprint Genetics
Classification: Likely benign. Last evaluated: 2023-10-09. Review status: criteria provided, single submitter. Criteria: ACMG Guidelines, 2015. Collection method: clinical testing. Allele origin: germline.

NM_006662.3(SRCAP):c.2694A>G (p.Arg898=)

Gene: SRCAP (Snf2 related CREBBP activator protein; plus strand). Cytogenetic location: 16p11.2.
Variant type: single nucleotide variant.
Coding change: c.2694A>G on transcript NM_006662.3 (MANE Select); coding-DNA position 2694, A replaced by G.
Protein change: p.Arg898=; no amino-acid change (arginine 898 retained).
Molecular consequence: synonymous variant.
Genome position (GRCh38, 1-based): chr16:30,716,356, A>G. VCF-style: chr16-30716356-A-G. GRCh37 (hg19) VCF-style: chr16-30727677-A-G.
Identifiers: ClinVar variation 2428120 (VCV002428120.12), dbSNP rs574210456, ClinGen allele CA8011287.